The following is an entry in ClinVar:

NM_015102.5(NPHP4):c.1199C>G (p.Ala400Gly)

Gene: NPHP4 (nephrocystin 4; minus strand). Cytogenetic location: 1p36.31.
Variant type: single nucleotide variant.
Coding change: c.1199C>G on transcript NM_015102.5 (MANE Select); coding-DNA position 1199, C replaced by G.
Protein change: p.Ala400Gly; replaces alanine 400 with glycine.
Molecular consequence: missense variant. On other transcripts: 5 prime UTR variant (2), non-coding transcript variant (1).
Genome position (GRCh38, 1-based): chr1:5,933,250, G>C on the plus strand (C>G on the coding strand, the complement: NPHP4 is on the minus strand). VCF-style: chr1-5933250-G-C. GRCh37 (hg19) VCF-style: chr1-5993310-G-C.
Other names: c.-168C>G (NM_001291593.2, NM_001291594.2); short protein forms A400G.
Identifiers: ClinVar variation 1908689 (VCV001908689.5), dbSNP rs2522673774, ClinGen allele CA338061496.
Genomic context (GRCh38, chr1:5,933,250, plus strand): 5'-CAGTGCGAGGGGTTGGGCTGGATCCCACCCTGCAGAGGCAGGGTCACCCTTCCAGAATCA[G>C]CTTCCAGCAAGGGGTTCCAAACAGCCCAGCGGACCATGTGCATGCATGCCAGGTTGGACA-3'
Protein context (NP_055917.1, residues 390-410): RWAVWNPLLE[Ala400Gly]DSGRVTLPLQ

ClinVar aggregate classification (germline): Uncertain significance (1 of 4 stars; one submission).

Conditions:
Nephronophthisis. Also called: Juvenile Nephronophthisis. Identifiers: Orphanet 655, MedGen C0687120, MONDO:0019005, HP:0000090.

Submission:

Labcorp Genetics (formerly Invitae), Labcorp
Classification: Uncertain significance for Nephronophthisis. Last evaluated: 2025-01-13. Review status: criteria provided, single submitter. Criteria: Invitae Variant Classification Sherloc (09022015). Collection method: clinical testing. Allele origin: germline.
Comment: This sequence change replaces alanine, which is neutral and non-polar, with glycine, which is neutral and non-polar, at codon 400 of the NPHP4 protein (p.Ala400Gly). This variant is not present in population databases (gnomAD no frequency). This variant has not been reported in the literature in individuals affected with NPHP4-related conditions. ClinVar contains an entry for this variant (Variation ID: 1908689). Invitae Evidence Modeling of protein sequence and biophysical properties (such as structural, functional, and spatial information, amino acid conservation, physicochemical variation, residue mobility, and thermodynamic stability) indicates that this missense variant is not expected to disrupt NPHP4 protein function with a negative predictive value of 80%. In summary, the available evidence is currently insufficient to determine the role of this variant in disease. Therefore, it has been classified as a Variant of Uncertain Significance.